The following is an entry in ClinVar:

NM_004304.5(ALK):c.2147G>T (p.Ser716Ile)

Gene: ALK (ALK receptor tyrosine kinase; minus strand). Cytogenetic location: 2p23.2.
Variant type: single nucleotide variant.
Coding change: c.2147G>T on transcript NM_004304.5 (MANE Select); coding-DNA position 2147, G replaced by T.
Protein change: p.Ser716Ile; replaces serine 716 with isoleucine.
Molecular consequence: missense variant.
Genome position (GRCh38, 1-based): chr2:29,251,162, C>A on the plus strand (G>T on the coding strand, the complement: ALK is on the minus strand). VCF-style: chr2-29251162-C-A. GRCh37 (hg19) VCF-style: chr2-29474028-C-A.
Other names: c.2147G>T (NM_004304.4); short protein forms S716I.
Identifiers: ClinVar variation 1450646 (VCV001450646.7), dbSNP rs2148197375, ClinGen allele CA346476873.

ClinVar aggregate classification (germline): Uncertain significance. Review status: criteria provided, multiple submitters, no conflicts (2 of 4 stars). 2 submissions from 2 submitters: Uncertain significance (2). Last evaluated 2025-10-26.

Conditions:
Hereditary cancer-predisposing syndrome. Also called: Tumor predisposition; Hereditary neoplastic syndrome; Hereditary Cancer Syndrome; Neoplastic Syndromes, Hereditary. Identifiers: Orphanet 140162, MedGen C0027672, MeSH D009386, MONDO:0015356.
Neuroblastoma, susceptibility to, 3. Also called: ALK-Related Neuroblastic Tumor Susceptibility. Identifiers: Orphanet 635, MedGen C2751681, MONDO:0013083, OMIM 613014.

Submissions (2):

Labcorp Genetics (formerly Invitae), Labcorp
Classification: Uncertain significance for Neuroblastoma, susceptibility to, 3. Last evaluated: 2025-10-26. Review status: criteria provided, single submitter. Criteria: Invitae Variant Classification Sherloc (09022015). Collection method: clinical testing. Allele origin: germline.
Comment: This sequence change replaces serine, which is neutral and polar, with isoleucine, which is neutral and non-polar, at codon 716 of the ALK protein (p.Ser716Ile). This variant is not present in population databases (gnomAD no frequency). This variant has not been reported in the literature in individuals affected with ALK-related conditions. ClinVar contains an entry for this variant (Variation ID: 1450646). An algorithm developed to predict the effect of missense changes on protein structure and function (PolyPhen-2) suggests that this variant is likely to be tolerated. In summary, the available evidence is currently insufficient to determine the role of this variant in disease. Therefore, it has been classified as a Variant of Uncertain Significance.

Ambry Genetics
Classification: Uncertain significance for Hereditary cancer-predisposing syndrome. Last evaluated: 2025-04-05. Review status: criteria provided, single submitter. Criteria: Ambry Variant Classification Scheme 2023. Collection method: clinical testing. Allele origin: germline.
Comment: The p.S716I variant (also known as c.2147G>T), located in coding exon 12 of the ALK gene, results from a G to T substitution at nucleotide position 2147. The serine at codon 716 is replaced by isoleucine, an amino acid with dissimilar properties. This amino acid position is conserved. In addition, this alteration is predicted to be tolerated by in silico analysis. Based on the available evidence, the clinical significance of this variant remains unclear.